The following is an entry in ClinVar:

NC_000014.8:g.(?_50050385)_(50053064_?)dup

Gene: RPS29 (ribosomal protein S29; minus strand). Cytogenetic location: 14q21.3.
Variant type: Duplication.
Identifiers: ClinVar variation 2423505 (VCV002423505.4).

ClinVar aggregate classification (germline): Uncertain significance (1 of 4 stars; one submission).

Submission:

Labcorp Genetics (formerly Invitae), Labcorp
Classification: Uncertain significance. Last evaluated: 2022-08-09. Review status: criteria provided, single submitter. Criteria: Invitae Variant Classification Sherloc (09022015). Collection method: clinical testing. Allele origin: germline.
Comment: In summary, the available evidence is currently insufficient to determine the role of this variant in disease. Therefore, it has been classified as a Variant of Uncertain Significance. This variant has not been reported in the literature in individuals affected with RPS29-related conditions. A copy number gain of the genomic region encompassing the full coding sequence of the RPS29 gene has been identified. The boundaries of this event are unknown as they extend beyond the assayed region for this gene and therefore may encompass additional genes. As the precise location of this event is unknown, it may be in tandem or it may be located elsewhere in the genome.